The following is an entry in ClinVar:

ClinVar aggregate classification (germline): Pathogenic (1 of 4 stars; one submission).

Conditions:
Neurofibromatosis, type 1 (NF1). Also called: VON RECKLINGHAUSEN DISEASE; Peripheral type neurofibromatosis; NEUROFIBROMATOSIS, TYPE I, SOMATIC; Neurofibromatosis, type I. Identifiers: Orphanet 636, MedGen C0027831, MONDO:0018975, OMIM 162200. Disease mechanism: loss of function.

Submission:

Labcorp Genetics (formerly Invitae), Labcorp
Classification: Pathogenic for Neurofibromatosis, type 1. Last evaluated: 2020-10-28. Review status: criteria provided, single submitter. Criteria: Invitae Variant Classification Sherloc (09022015). Collection method: clinical testing. Allele origin: germline.
Comment: For these reasons, this variant has been classified as Pathogenic. Loss-of-function variants in NF1 are known to be pathogenic (PMID: 10712197, 23913538). This variant has not been reported in the literature in individuals with NF1-related conditions. This variant is not present in population databases (ExAC no frequency). This sequence change creates a premature translational stop signal (p.Leu695Serfs*5) in the NF1 gene. It is expected to result in an absent or disrupted protein product.

Literature cited by the submitters: PubMed 10712197; PubMed 23913538.

NM_001042492.3(NF1):c.2082dup (p.Leu695fs)

Gene: NF1 (neurofibromin 1; plus strand). Cytogenetic location: 17q11.2.
Variant type: Duplication.
Coding change: c.2082dup on transcript NM_001042492.3 (MANE Select); coding-DNA position 2082, one base duplicated (T; older notation c.2082dupT).
Protein change: p.Leu695fs; shifts the reading frame from leucine 695.
Molecular consequence: frameshift variant.
Genome position (GRCh38, 1-based): chr17:31,226,515, T duplicated; the last of 3 consecutive T bases (chr17:31,226,513-31,226,515); duplicating any one gives the same sequence. VCF-style (leftmost placement, unchanged base first): chr17-31226512-G-GT. GRCh37 (hg19) VCF-style: chr17-29553530-G-GT.
Other names: c.2082dup, p.Leu695Serfs (NM_000267.4); short protein forms L695fs.
Identifiers: ClinVar variation 1072489 (VCV001072489.5), dbSNP rs2151425736, ClinGen allele CA2499224043.